The following is an entry in ClinVar:

ClinVar aggregate classification (germline): Uncertain significance (1 of 4 stars; one submission).

Conditions:
Neurofibromatosis, type 1 (NF1). Also called: VON RECKLINGHAUSEN DISEASE; Neurofibromatosis, type I; NEUROFIBROMATOSIS, TYPE I, SOMATIC; Peripheral type neurofibromatosis. Identifiers: Orphanet 636, MedGen C0027831, MONDO:0018975, OMIM 162200. Disease mechanism: loss of function.

Submission:

Labcorp Genetics (formerly Invitae), Labcorp
Classification: Uncertain significance for Neurofibromatosis, type 1. Last evaluated: 2021-08-01. Review status: criteria provided, single submitter. Criteria: Invitae Variant Classification Sherloc (09022015). Collection method: clinical testing. Allele origin: germline.
Comment: This sequence change replaces aspartic acid with asparagine at codon 2653 of the NF1 protein (p.Asp2653Asn). The aspartic acid residue is moderately conserved and there is a small physicochemical difference between aspartic acid and asparagine. This variant is not present in population databases (ExAC no frequency). This variant has not been reported in the literature in individuals with NF1-related disease. Algorithms developed to predict the effect of missense changes on protein structure and function are either unavailable or do not agree on the potential impact of this missense change (SIFT: "Tolerated"; PolyPhen-2: "Probably Damaging"; Align-GVGD: "Class C0"). In summary, the available evidence is currently insufficient to determine the role of this variant in disease. Therefore, it has been classified as a Variant of Uncertain Significance.

NM_001042492.3(NF1):c.8020G>A (p.Asp2674Asn)

Gene: NF1 (neurofibromin 1; plus strand). Cytogenetic location: 17q11.2.
Variant type: single nucleotide variant.
Coding change: c.8020G>A on transcript NM_001042492.3 (MANE Select); coding-DNA position 8020, G replaced by A.
Protein change: p.Asp2674Asn; replaces aspartic acid 2674 with asparagine.
Molecular consequence: missense variant.
Genome position (GRCh38, 1-based): chr17:31,358,529, G>A. VCF-style: chr17-31358529-G-A. GRCh37 (hg19) VCF-style: chr17-29685547-G-A.
Other names: c.7957G>A, p.Asp2653Asn (NM_000267.4); short protein forms D2653N, D2674N.
Identifiers: ClinVar variation 652324 (VCV000652324.5), dbSNP rs1597868123, ClinGen allele CA399203691.